The following is an entry in ClinVar:

NM_001165963.4(SCN1A):c.1060G>C (p.Ala354Pro)

Gene: SCN1A (sodium voltage-gated channel alpha subunit 1; minus strand). Cytogenetic location: 2q24.3.
Variant type: single nucleotide variant.
Coding change: c.1060G>C on transcript NM_001165963.4 (MANE Select); coding-DNA position 1060, G replaced by C.
Protein change: p.Ala354Pro; replaces alanine 354 with proline.
Molecular consequence: missense variant. On other transcripts: 5 prime UTR variant (1), non-coding transcript variant (1).
Genome position (GRCh38, 1-based): chr2:166,047,737, C>G on the plus strand (G>C on the coding strand, the complement: SCN1A is on the minus strand). VCF-style: chr2-166047737-C-G. GRCh37 (hg19) VCF-style: chr2-166904247-C-G.
Other names: c.1060G>C, p.Ala354Pro (NM_001165964.3, NM_001202435.3, NM_001353948.2 and 10 more transcripts); c.-1366G>C (NM_001353961.2); short protein forms A354P.
Identifiers: ClinVar variation 929416 (VCV000929416.3), dbSNP rs1698022280, ClinGen allele CA349071368.
Genomic context (GRCh38, chr2:166,047,737, plus strand): 5'-ACAAAAAAGCCCAACTGAAGGTATCAAAGCTTGTGTAGCCATAATTGGGATTTCTACCAG[C>G]TTTCACACACATATATCCCTCTGGACATTGGCTGCAAGTGGGGTAAAAGAAAGTATTACA-3'
Protein context (NP_001159435.1, residues 344-364): QCPEGYMCVK[Ala354Pro]GRNPNYGYTS

ClinVar aggregate classification (germline): Uncertain significance. Review status: criteria provided, single submitter (1 of 4 stars). 2 submissions from 2 submitters: Uncertain significance (1). 1 of the submissions does not count toward it. Last evaluated 2019-06-03.

Conditions:
Developmental and epileptic encephalopathy. Identifiers: MedGen C5779964, MONDO:0100620.
Severe myoclonic epilepsy in infancy (DRVT). Also called: Epileptic encephalopathy, early infantile, 6 (Dravet syndrome); DEVELOPMENTAL AND EPILEPTIC ENCEPHALOPATHY 6A; Severe Myoclonic Epilepsy in Infancy (SMEI); SEVERE MYOCLONIC EPILEPSY OF INFANCY; Dravet syndrome. Identifiers: Orphanet 33069, MedGen C0751122, MONDO:0100135, OMIM 607208.

Submissions (2):

Labcorp Genetics (formerly Invitae), Labcorp
Classification: Uncertain significance for Early infantile epileptic encephalopathy with suppression bursts. Last evaluated: 2019-06-03. Review status: criteria provided, single submitter. Criteria: Invitae Variant Classification Sherloc (09022015). Collection method: clinical testing. Allele origin: germline.
Comment: This sequence change replaces alanine with proline at codon 354 of the SCN1A protein (p.Ala354Pro). The alanine residue is highly conserved and there is a small physicochemical difference between alanine and proline. This variant is not present in population databases (ExAC no frequency). This variant has not been reported in the literature in individuals with SCN1A-related disease. Algorithms developed to predict the effect of missense changes on protein structure and function (SIFT, PolyPhen-2, Align-GVGD) all suggest that this variant is likely to be disruptive, but these predictions have not been confirmed by published functional studies and their clinical significance is uncertain. This variant identified in the SCN1A gene is located in the extracellular D1-P1 region of the resulting protein (PMID: 25348405, 18804930), but it is unclear how this variant impacts the function of this protein. In summary, the available evidence is currently insufficient to determine the role of this variant in disease. Therefore, it has been classified as a Variant of Uncertain Significance.

Laboratory of Medical Genetics, National & Kapodistrian University of Athens
Classification: Pathogenic for Severe myoclonic epilepsy in infancy. Last evaluated: 2020-02-19. Review status: no assertion criteria provided. Collection method: clinical testing. Allele origin: de novo. Affected: yes. Not counted in ClinVar's aggregate classification.

Literature cited by the submitters: PubMed 25348405 (cited by Labcorp Genetics (formerly Invitae), Labcorp); PubMed 18804930 (cited by Labcorp Genetics (formerly Invitae), Labcorp).